The following is an entry in ClinVar:

NM_182961.4(SYNE1):c.14279A>T (p.His4760Leu)

Gene: SYNE1 (spectrin repeat containing nuclear envelope protein 1; minus strand). Cytogenetic location: 6q25.2.
Variant type: single nucleotide variant.
Coding change: c.14279A>T on transcript NM_182961.4 (MANE Select); coding-DNA position 14279, A replaced by T.
Protein change: p.His4760Leu; replaces histidine 4760 with leucine.
Molecular consequence: missense variant.
Genome position (GRCh38, 1-based): chr6:152,330,406, T>A on the plus strand (A>T on the coding strand, the complement: SYNE1 is on the minus strand). VCF-style: chr6-152330406-T-A. GRCh37 (hg19) VCF-style: chr6-152651541-T-A.
Other names: c.14066A>T, p.His4689Leu (NM_033071.5); short protein forms H4760L, H4689L.
Identifiers: ClinVar variation 2936840 (VCV002936840.4), dbSNP rs768917366, ClinGen allele CA4056034.

ClinVar aggregate classification (germline): Uncertain significance. Review status: criteria provided, multiple submitters, no conflicts (2 of 4 stars). 2 submissions from 2 submitters: Uncertain significance (2). Last evaluated 2022-11-03.

Conditions:
Autosomal recessive ataxia, Beauce type. Also called: ATAXIA, RECESSIVE, OF BEAUCE; Spinocerebellar ataxia, autosomal recessive 8; SYNE1 Deficiency; SYNE1-Related Autosomal Recessive Cerebellar Ataxia. Identifiers: Orphanet 88644, MedGen C1853116, MONDO:0012549, OMIM 610743.
Emery-Dreifuss muscular dystrophy 4, autosomal dominant (EDMD4). Also called: EMERY-DREIFUSS MUSCULAR DYSTROPHY 4 WITH VARIABLE FEATURES. Identifiers: Orphanet 261, MedGen C2751807, MONDO:0013071, OMIM 612998.

Allele frequency attached by ClinVar (database versions not stated): ExAC 0.00001.
gnomAD v4.1: 7 of 1,614,144 alleles (0.00043%); highest among the groups gnomAD compares: South Asian, 0.0066%; no homozygotes.

Submissions (2):

Labcorp Genetics (formerly Invitae), Labcorp
Classification: Uncertain significance for Emery-Dreifuss muscular dystrophy 4, autosomal dominant; Autosomal recessive ataxia, Beauce type. Last evaluated: 2022-11-03. Review status: criteria provided, single submitter. Criteria: Invitae Variant Classification Sherloc (09022015). Collection method: clinical testing. Allele origin: germline.
Comment: In summary, the available evidence is currently insufficient to determine the role of this variant in disease. Therefore, it has been classified as a Variant of Uncertain Significance. Algorithms developed to predict the effect of missense changes on protein structure and function are either unavailable or do not agree on the potential impact of this missense change (SIFT: "Deleterious"; PolyPhen-2: "Benign"; Align-GVGD: "Class C65"). This variant has not been reported in the literature in individuals affected with SYNE1-related conditions. This variant is present in population databases (rs768917366, gnomAD 0.01%). This sequence change replaces histidine, which is basic and polar, with leucine, which is neutral and non-polar, at codon 4689 of the SYNE1 protein (p.His4689Leu).

Blueprint Genetics
Classification: Uncertain significance. Last evaluated: 2021-03-19. Review status: criteria provided, single submitter. Criteria: ACMG Guidelines, 2015. Collection method: clinical testing. Allele origin: germline.